The following is an entry in ClinVar:

ClinVar aggregate classification (germline): Uncertain significance (1 of 4 stars; one submission).

Conditions:
Complex cortical dysplasia with other brain malformations 1. Identifiers: Orphanet 300570, MedGen C3808397, MONDO:0013541, OMIM 614039.
Fibrosis of extraocular muscles, congenital, 3A, with or without extraocular involvement. Also called: FEOM3 LOCUS; CONGENITAL FIBROSIS OF EXTRAOCULAR MUSCLES 3A. Identifiers: MedGen C2748801, MONDO:0010912, OMIM 600638.

Submission:

Department of Human Genetics, University Hospital Bern, Inselspital
Classification: Uncertain significance for Complex cortical dysplasia with other brain malformations 1; Fibrosis of extraocular muscles, congenital, 3A, with or without extraocular involvement. Last evaluated: 2024-07-03. Review status: criteria provided, single submitter. Criteria: ACMG Guidelines, 2015. Collection method: clinical testing. Allele origin: de novo. Inheritance: Autosomal dominant inheritance. Affected: yes.
Comment: This missense variant is not present in gnomAD v4.1 and is predicted deleterious by REVEL. To our knowledge, it has not been reported in affected individuals.

Literature cited by the submitters: NCBI Bookshelf NBK1348.

NM_006086.4(TUBB3):c.199G>A (p.Asp67Asn)

Gene: TUBB3 (tubulin beta 3 class III; plus strand). Cytogenetic location: 16q24.3.
Variant type: single nucleotide variant.
Coding change: c.199G>A on transcript NM_006086.4 (MANE Select); coding-DNA position 199, G replaced by A.
Protein change: p.Asp67Asn; replaces aspartic acid 67 with asparagine.
Molecular consequence: missense variant. On other transcripts: 5 prime UTR variant (1).
Genome position (GRCh38, 1-based): chr16:89,933,500, G>A. VCF-style: chr16-89933500-G-A. GRCh37 (hg19) VCF-style: chr16-89999908-G-A.
Other names: c.-18G>A (NM_001197181.2); short protein forms D67N.
Identifiers: ClinVar variation 4533327 (VCV004533327.1).